The following is an entry in ClinVar:

NM_000548.5(TSC2):c.1815A>G (p.Pro605=)

Gene: TSC2 (TSC complex subunit 2; plus strand). Cytogenetic location: 16p13.3.
Variant type: single nucleotide variant.
Coding change: c.1815A>G on transcript NM_000548.5 (MANE Select); coding-DNA position 1815, A replaced by G.
Protein change: p.Pro605=; no amino-acid change (proline 605 retained).
Molecular consequence: synonymous variant.
Genome position (GRCh38, 1-based): chr16:2,070,554, A>G. VCF-style: chr16-2070554-A-G. GRCh37 (hg19) VCF-style: chr16-2120555-A-G.
Other names: c.1815A>G, p.Pro605= (NM_001077183.3, NM_001114382.3, NM_001363528.2 and 3 more transcripts); c.1704A>G, p.Pro568= (NM_001318827.2); c.1668A>G, p.Pro556= (NM_001318829.2); c.1215A>G, p.Pro405= (NM_001318831.2); c.1848A>G, p.Pro616= (NM_001318832.2).
Identifiers: ClinVar variation 382665 (VCV000382665.19), dbSNP rs961687056, ClinGen allele CA16608036.

ClinVar aggregate classification (germline): Benign/Likely benign. Review status: criteria provided, multiple submitters, no conflicts (2 of 4 stars). 7 submissions from 7 submitters: Benign (2); Likely benign (5). Last evaluated 2025-06-22.

Conditions:
Hereditary cancer-predisposing syndrome. Also called: Hereditary neoplastic syndrome; Tumor predisposition; Neoplastic Syndromes, Hereditary; Hereditary Cancer Syndrome. Identifiers: Orphanet 140162, MedGen C0027672, MeSH D009386, MONDO:0015356.
Tuberous sclerosis syndrome (TSC). Also called: Tuberous sclerosis; Tuberous Sclerosis Complex. Identifiers: Orphanet 805, MedGen C0041341, MONDO:0001734.
Tuberous sclerosis 2 (TSC2). Identifiers: Orphanet 805, MedGen C1860707, MONDO:0013199, OMIM 613254.

Allele frequency attached by ClinVar (database versions not stated): gnomAD 0.00001 and 0.00003; TOPMed 0.00002.
gnomAD v4.1: 4 of 1,613,056 alleles (0.00025%); highest among the groups gnomAD compares: African/African-American, 0.004%; no homozygotes.

Submissions (7):

Labcorp Genetics (formerly Invitae), Labcorp
Classification: Likely benign for Tuberous sclerosis 2. Last evaluated: 2025-06-22. Review status: criteria provided, single submitter. Criteria: Invitae Variant Classification Sherloc (09022015). Collection method: clinical testing. Allele origin: germline.

Myriad Genetics, Inc.
Classification: Benign for Tuberous sclerosis 2. Last evaluated: 2025-05-15. Review status: criteria provided, single submitter. Criteria: Myriad Autosomal Dominant, Autosomal Recessive and X-Linked Classification Criteria (2023). Collection method: clinical testing. Allele origin: unknown.
Comment: This variant is considered benign. This variant is a silent/synonymous amino acid change and it is not expected to impact splicing.

All of Us Research Program, National Institutes of Health
Classification: Likely benign for Tuberous sclerosis syndrome. Last evaluated: 2023-03-09. Review status: criteria provided, single submitter. Criteria: ACMG Guidelines, 2015. Collection method: clinical testing. Allele origin: germline. Inheritance: Autosomal dominant inheritance. Observed: 1 variant allele, 1 heterozygote.
Comment: This study involves interpretation of variants in research participants for the purpose of population health screening. Participant phenotype was not available at the time of variant classification. Additional details can be found in publication PMID: 35346344, PMCID: PMC8962531

Color Diagnostics, LLC DBA Color Health
Classification: Likely benign for Tuberous sclerosis syndrome. Last evaluated: 2022-09-21. Review status: criteria provided, single submitter. Criteria: ACMG Guidelines, 2015. Collection method: clinical testing. Allele origin: germline.

Genome-Nilou Lab
Classification: Benign for Tuberous sclerosis 2. Last evaluated: 2021-11-07. Review status: criteria provided, single submitter. Criteria: ACMG Guidelines, 2015. Collection method: clinical testing. Allele origin: germline. Affected: no.

Ambry Genetics
Classification: Likely benign for Hereditary cancer-predisposing syndrome. Last evaluated: 2018-12-20. Review status: criteria provided, single submitter. Criteria: Ambry Variant Classification Scheme 2023. Collection method: clinical testing. Allele origin: germline.

GeneDx
Classification: Likely benign. Last evaluated: 2016-01-13. Review status: criteria provided, single submitter. Criteria: GeneDx Variant Classification (06012015). Collection method: clinical testing. Allele origin: germline. Affected: yes.
Comment: This variant is considered likely benign or benign based on one or more of the following criteria: it is a conservative change, it occurs at a poorly conserved position in the protein, it is predicted to be benign by multiple in silico algorithms, and/or has population frequency not consistent with disease.